The following is an entry in ClinVar:

NM_001364905.1(LRBA):c.2122C>T (p.Pro708Ser)

Gene: LRBA (LPS responsive beige-like anchor protein; minus strand). Cytogenetic location: 4q31.3.
Variant type: single nucleotide variant.
Coding change: c.2122C>T on transcript NM_001364905.1 (MANE Select); coding-DNA position 2122, C replaced by T.
Protein change: p.Pro708Ser; replaces proline 708 with serine.
Molecular consequence: missense variant.
Genome position (GRCh38, 1-based): chr4:150,893,095, G>A on the plus strand (C>T on the coding strand, the complement: LRBA is on the minus strand). VCF-style: chr4-150893095-G-A. GRCh37 (hg19) VCF-style: chr4-151814247-G-A.
Other names: c.2122C>T, p.Pro708Ser (NM_001199282.3, NM_001367550.1, NM_006726.5); short protein forms P708S.
Identifiers: ClinVar variation 1438881 (VCV001438881.6), dbSNP rs2127098236, ClinGen allele CA358428900.

ClinVar aggregate classification (germline): Uncertain significance (1 of 4 stars; one submission).

Conditions:
Combined immunodeficiency due to LRBA deficiency. Also called: Common variable immunodeficiency 8, with autoimmunity. Identifiers: Orphanet 445018, MedGen C3553512, MONDO:0013863, OMIM 614700.

Submission:

Labcorp Genetics (formerly Invitae), Labcorp
Classification: Uncertain significance for Combined immunodeficiency due to LRBA deficiency. Last evaluated: 2021-11-02. Review status: criteria provided, single submitter. Criteria: Invitae Variant Classification Sherloc (09022015). Collection method: clinical testing. Allele origin: germline.
Comment: Algorithms developed to predict the effect of missense changes on protein structure and function are either unavailable or do not agree on the potential impact of this missense change (SIFT: "Tolerated"; PolyPhen-2: "Probably Damaging"; Align-GVGD: "Class C0"). In summary, the available evidence is currently insufficient to determine the role of this variant in disease. Therefore, it has been classified as a Variant of Uncertain Significance. This variant has not been reported in the literature in individuals affected with LRBA-related conditions. This variant is not present in population databases (gnomAD no frequency). This sequence change replaces proline, which is neutral and non-polar, with serine, which is neutral and polar, at codon 708 of the LRBA protein (p.Pro708Ser).